The following is an entry in ClinVar:

ClinVar aggregate classification (germline): Uncertain significance (1 of 4 stars; one submission).

Conditions:
Mitochondrial complex V (ATP synthase) deficiency, nuclear type 2. Also called: Nuclear-Encoded ATPase Deficiency, TMEM70-Related; ENCEPHALOCARDIOMYOPATHY, MITOCHONDRIAL, NEONATAL, DUE TO ATP SYNTHASE DEFICIENCY; MITOCHONDRIAL COMPLEX V (ATP SYNTHASE) DEFICIENCY, TMEM70 TYPE. Identifiers: Orphanet 1194, MedGen C3279699, MONDO:0013546, OMIM 614052.

gnomAD v4.1: 1 of 1,599,956 alleles (0.000063%); highest among the groups gnomAD compares: Admixed American, 0.0017%; no homozygotes.

Submission:

Labcorp Genetics (formerly Invitae), Labcorp
Classification: Uncertain significance for Mitochondrial complex V (ATP synthase) deficiency, nuclear type 2. Last evaluated: 2022-07-20. Review status: criteria provided, single submitter. Criteria: Invitae Variant Classification Sherloc (09022015). Collection method: clinical testing. Allele origin: germline.
Comment: Algorithms developed to predict the effect of missense changes on protein structure and function (SIFT, PolyPhen-2, Align-GVGD) all suggest that this variant is likely to be tolerated. This sequence change replaces leucine, which is neutral and non-polar, with valine, which is neutral and non-polar, at codon 23 of the TMEM70 protein (p.Leu23Val). This variant is present in population databases (no rsID available, gnomAD 0.003%). This variant has not been reported in the literature in individuals affected with TMEM70-related conditions. In summary, the available evidence is currently insufficient to determine the role of this variant in disease. Therefore, it has been classified as a Variant of Uncertain Significance.

NM_017866.6(TMEM70):c.67T>G (p.Leu23Val)

Gene: TMEM70 (transmembrane protein 70; plus strand). Cytogenetic location: 8q21.11.
Variant type: single nucleotide variant.
Coding change: c.67T>G on transcript NM_017866.6 (MANE Select); coding-DNA position 67, T replaced by G.
Protein change: p.Leu23Val; replaces leucine 23 with valine.
Molecular consequence: missense variant. On other transcripts: non-coding transcript variant (1).
Genome position (GRCh38, 1-based): chr8:73,976,348, T>G. VCF-style: chr8-73976348-T-G. GRCh37 (hg19) VCF-style: chr8-74888583-T-G.
Other names: c.67T>G, p.Leu23Val (NM_001040613.3); short protein forms L23V.
Identifiers: ClinVar variation 1921148 (VCV001921148.5), dbSNP rs1175563560, ClinGen allele CA371489201.